The following is an entry in ClinVar:

ClinVar aggregate classification (germline): Uncertain significance. Review status: criteria provided, multiple submitters, no conflicts (2 of 4 stars). 2 submissions from 2 submitters: Uncertain significance (2). Last evaluated 2025-10-07.

Conditions:
Charcot-Marie-Tooth disease axonal type 2O. Also called: CHARCOT-MARIE-TOOTH NEUROPATHY, AXONAL, TYPE 2O; CHARCOT-MARIE-TOOTH DISEASE, AXONAL, AUTOSOMAL DOMINANT, TYPE 2O; Charcot-Marie-Tooth Neuropathy Type 2O; Charcot-Marie-Tooth disease, axonal, type 20. Identifiers: Orphanet 284232, MedGen C3280220, MONDO:0013644, OMIM 614228.

gnomAD v4.1: 2 of 1,614,204 alleles (0.00012%); highest among the groups gnomAD compares: Non-Finnish European, 0.00017%; no homozygotes.

Submissions (2):

Labcorp Genetics (formerly Invitae), Labcorp
Classification: Uncertain significance for Charcot-Marie-Tooth disease axonal type 2O. Last evaluated: 2025-10-07. Review status: criteria provided, single submitter. Criteria: Invitae Variant Classification Sherloc (09022015). Collection method: clinical testing. Allele origin: germline.
Comment: This sequence change replaces phenylalanine, which is neutral and non-polar, with valine, which is neutral and non-polar, at codon 232 of the DYNC1H1 protein (p.Phe232Val). This variant is not present in population databases (gnomAD no frequency). This variant has not been reported in the literature in individuals affected with DYNC1H1-related conditions. ClinVar contains an entry for this variant (Variation ID: 2804076). Invitae Evidence Modeling of protein sequence and biophysical properties (such as structural, functional, and spatial information, amino acid conservation, physicochemical variation, residue mobility, and thermodynamic stability) indicates that this missense variant is not expected to disrupt DYNC1H1 protein function with a negative predictive value of 95%. In summary, the available evidence is currently insufficient to determine the role of this variant in disease. Therefore, it has been classified as a Variant of Uncertain Significance.

GeneDx
Classification: Uncertain significance. Last evaluated: 2025-07-26. Review status: criteria provided, single submitter. Criteria: GeneDx Variant Classification Process June 2021. Collection method: clinical testing. Allele origin: germline. Affected: yes.
Comment: Not observed at significant frequency in large population cohorts (gnomAD); In silico analysis supports that this missense variant has a deleterious effect on protein structure/function; Has not been previously published as pathogenic or benign to our knowledge; This variant is associated with the following publications: (PMID: 25512093, 25609763, 26100331)

NM_001376.5(DYNC1H1):c.694T>G (p.Phe232Val)

Gene: DYNC1H1 (dynein cytoplasmic 1 heavy chain 1; plus strand). Cytogenetic location: 14q32.31.
Variant type: single nucleotide variant.
Coding change: c.694T>G on transcript NM_001376.5 (MANE Select); coding-DNA position 694, T replaced by G.
Protein change: p.Phe232Val; replaces phenylalanine 232 with valine.
Molecular consequence: missense variant.
Genome position (GRCh38, 1-based): chr14:101,979,894, T>G. VCF-style: chr14-101979894-T-G. GRCh37 (hg19) VCF-style: chr14-102446231-T-G.
Other names: short protein forms F232V.
Identifiers: ClinVar variation 2804076 (VCV002804076.4), dbSNP rs1301539761, ClinGen allele CA391008738.